The following is an entry in ClinVar:

ClinVar aggregate classification (germline): Uncertain significance (1 of 4 stars; one submission).

Conditions:
Familial hypobetalipoproteinemia 1. Also called: APOB-Related Familial Hypobetalipoproteinemia; Hypobetalipoproteinemia, normotriglyceridemic; Acanthocytosis with hypobetalipoproteinemia. Identifiers: MedGen C4551990, MONDO:0014252, OMIM 615558.
Hypercholesterolemia, autosomal dominant, type B (FHCL2). Also called: APOB-Related Familial Hypercholesterolemia, Autosomal Dominant; Familial hypercholesterolemia 2; Familial Hypercholesterolemia Type B; APOLIPOPROTEIN B-100, FAMILIAL DEFECTIVE; APOLIPOPROTEIN B-100, FAMILIAL LIGAND-DEFECTIVE; HYPERCHOLESTEROLEMIA, FAMILIAL, DUE TO LIGAND-DEFECTIVE APOLIPOPROTEIN B. Identifiers: MedGen C1704417, MONDO:0007751, OMIM 144010.

gnomAD v4.1: 3 of 1,614,070 alleles (0.00019%); highest among the groups gnomAD compares: Non-Finnish European, 0.00025%; no homozygotes.

Submission:

Labcorp Genetics (formerly Invitae), Labcorp
Classification: Uncertain significance for Familial hypobetalipoproteinemia 1; Hypercholesterolemia, autosomal dominant, type B. Last evaluated: 2025-04-02. Review status: criteria provided, single submitter. Criteria: Invitae Variant Classification Sherloc (09022015). Collection method: clinical testing. Allele origin: germline.
Comment: This sequence change replaces isoleucine, which is neutral and non-polar, with valine, which is neutral and non-polar, at codon 1726 of the APOB protein (p.Ile1726Val). This variant is present in population databases (rs757885071, gnomAD 0.0009%). This variant has not been reported in the literature in individuals affected with APOB-related conditions. Invitae Evidence Modeling of protein sequence and biophysical properties (such as structural, functional, and spatial information, amino acid conservation, physicochemical variation, residue mobility, and thermodynamic stability) indicates that this missense variant is not expected to disrupt APOB protein function with a negative predictive value of 95%. In summary, the available evidence is currently insufficient to determine the role of this variant in disease. Therefore, it has been classified as a Variant of Uncertain Significance.

NM_000384.3(APOB):c.5176A>G (p.Ile1726Val)

Gene: APOB (apolipoprotein B; minus strand). Cytogenetic location: 2p24.1.
Variant type: single nucleotide variant.
Coding change: c.5176A>G on transcript NM_000384.3 (MANE Select); coding-DNA position 5176, A replaced by G.
Protein change: p.Ile1726Val; replaces isoleucine 1726 with valine.
Molecular consequence: missense variant.
Genome position (GRCh38, 1-based): chr2:21,011,692, T>C on the plus strand (A>G on the coding strand, the complement: APOB is on the minus strand). VCF-style: chr2-21011692-T-C. GRCh37 (hg19) VCF-style: chr2-21234564-T-C.
Other names: short protein forms I1726V.
Identifiers: ClinVar variation 4782385 (VCV004782385.1).